The following is an entry in ClinVar:

ClinVar aggregate classification (germline): Likely benign. Review status: criteria provided, multiple submitters, no conflicts (2 of 4 stars). 3 submissions from 3 submitters: Likely benign (2). 1 of the submissions does not count toward it. Last evaluated 2025-07-21.

Conditions:
ARL2BP-related disorder. Also called: ARL2BP-related condition.

Allele frequency attached by ClinVar (database versions not stated): ExAC 0.00003; gnomAD exomes 0.00004 and 0.00015; ESP Exome Variant Server 0.00008; gnomAD 0.00008 and 0.00009; TOPMed 0.00008.
gnomAD v4.1: 222 of 1,613,178 alleles (0.014%); highest among the groups gnomAD compares: Non-Finnish European, 0.018%; no homozygotes.

Submissions (3):

Labcorp Genetics (formerly Invitae), Labcorp
Classification: Likely benign. Last evaluated: 2025-07-21. Review status: criteria provided, single submitter. Criteria: Invitae Variant Classification Sherloc (09022015). Collection method: clinical testing. Allele origin: germline.

Blueprint Genetics
Classification: Likely benign. Last evaluated: 2022-09-22. Review status: criteria provided, single submitter. Criteria: ACMG Guidelines, 2015. Collection method: clinical testing. Allele origin: germline.

PreventionGenetics, part of Exact Sciences
Classification: Likely benign for ARL2BP-related condition. Last evaluated: 2019-08-28. Review status: no assertion criteria provided. Collection method: clinical testing. Allele origin: germline. Not counted in ClinVar's aggregate classification.
Comment: This variant is classified as likely benign based on ACMG/AMP sequence variant interpretation guidelines (Richards et al. 2015 PMID: 25741868, with internal and published modifications).

NM_012106.4(ARL2BP):c.294-8G>A

Gene: ARL2BP (ARF like GTPase 2 binding protein; plus strand). Cytogenetic location: 16q13.
Variant type: single nucleotide variant.
Coding change: c.294-8G>A on transcript NM_012106.4 (MANE Select); 8 bases into the intron before coding-DNA position 294, G replaced by A.
Molecular consequence: intron variant.
Genome position (GRCh38, 1-based): chr16:57,250,403, G>A. VCF-style: chr16-57250403-G-A. GRCh37 (hg19) VCF-style: chr16-57284315-G-A.
Other names: c.294-8G>A (NM_012106.3).
Identifiers: ClinVar variation 1116631 (VCV001116631.12), dbSNP rs374945556, ClinGen allele CA8074928.